The following is an entry in ClinVar:

NM_015295.3(SMCHD1):c.3274_3276+1del

Gene: SMCHD1 (structural maintenance of chromosomes flexible hinge domain containing 1; plus strand). Cytogenetic location: 18p11.32.
Variant type: Deletion.
Coding change: c.3274_3276+1del on transcript NM_015295.3 (MANE Select); coding-DNA position 3274 through the canonical splice donor site of the intron after coding-DNA position 3276, 4 bases deleted (AAAG; older notation c.3274_3276+1delAAAG).
Molecular consequence: splice donor variant.
Genome position (GRCh38, 1-based): chr18:2,732,490-2,732,493, AAAG deleted. VCF-style (leftmost placement, unchanged base first): chr18-2732489-TAAAG-T. GRCh37 (hg19) VCF-style: chr18-2732487-TAAAG-T.
Other names: c.3274_3276+1delAAAG (NM_015295.2).
Identifiers: ClinVar variation 1454791 (VCV001454791.11), dbSNP rs2075161459, ClinGen allele CA2280697074.
Genomic context (GRCh38, chr18:2,732,489, plus strand): 5'-TCAAATGTATGATGAAGGAGAAAGAGAAATCAATATAACATCAGCTTTAGCAGAAAAAAT[TAAAG>T]TAAGTATCTCTAACAGATTGGTTATTTGTAAGAACTTTTTAAATTTTATGTTTGTAAGAC-3'

ClinVar aggregate classification (germline): Pathogenic/Likely pathogenic. Review status: criteria provided, multiple submitters, no conflicts (2 of 4 stars). 3 submissions from 3 submitters: Pathogenic (2); Likely pathogenic (1). Last evaluated 2024-04-10.

Conditions:
Inborn genetic diseases. Identifiers: MedGen C0950123, MeSH D030342.
Facioscapulohumeral muscular dystrophy 2 (FSHD2). Also called: FACIOSCAPULOHUMERAL MUSCULAR DYSTROPHY 2, DIGENIC; FSHD2, DIGENIC; MUSCULAR DYSTROPHY, FACIOSCAPULOHUMERAL, TYPE 1B. Identifiers: Orphanet 269, MedGen C1834671, MONDO:0008031, OMIM 158901.

Allele frequency attached by ClinVar (database versions not stated): gnomAD exomes below 0.00001; TOPMed below 0.00001.

Submissions (4):

Labcorp Genetics (formerly Invitae), Labcorp
Classification: Pathogenic for Facioscapulohumeral muscular dystrophy 2. Last evaluated: 2024-04-10. Review status: criteria provided, single submitter. Criteria: Invitae Variant Classification Sherloc (09022015). Collection method: clinical testing. Allele origin: germline.
Comment: This variant results in the deletion of part of exon 25 (c.3274_3276+1del) of the SMCHD1 gene. RNA analysis indicates that this variant induces altered splicing and likely results in a shortened protein product. This variant is not present in population databases (gnomAD no frequency). This variant has been observed in individual(s) with facioscapulohumeral muscular dystrophy 2 (PMID: 25256356, 27061275). In at least one individual the variant was observed to be de novo. ClinVar contains an entry for this variant (Variation ID: 1454791). Studies have shown that this variant results in skipping of exon 25, but is expected to preserve the integrity of the reading-frame (PMID: 25256356). For these reasons, this variant has been classified as Pathogenic.

Kariminejad - Najmabadi Pathology & Genetics Center
Classification: Likely pathogenic for Facioscapulohumeral muscular dystrophy 2. Last evaluated: 2023-05-09. Review status: criteria provided, single submitter. Criteria: ACMG Guidelines, 2015. Collection method: clinical testing. Allele origin: germline. Inheritance: Autosomal dominant inheritance. Affected: yes.
Comment: PVS1 PM2 PP5

Ambry Genetics
Classification: Pathogenic for Inborn genetic diseases. Last evaluated: 2021-06-25. Review status: criteria provided, single submitter. Criteria: Ambry Variant Classification Scheme 2023. Collection method: clinical testing. Allele origin: germline.
Comment: The c.3274_3276+1delAAAG intronic variant results from a deletion of 4 nucleotides between nucleotide positions c.3274 and c.3276+1 of the SMCHD1 gene. Alterations that disrupt the canonical splice site are expected to result in aberrant splicing. The resulting transcript is predicted to be in-frame and is not expected to trigger nonsense-mediated mRNA decay; however, direct evidence is unavailable. The exact functional effect of the altered amino acid sequence is unknown; however, the impacted region is critical for protein function and a significant portion of the protein is affected. Based on data from the Genome Aggregation Database (gnomAD), the SMCHD1 c.3274_3276+1delAAAG alteration was not observed, with coverage at this position. This alteration has been reported in multiple unrelated patients with facioscapulohumeral muscular dystrophy type 2 (FSD2) (Lemmers, 2012; Larsen, 2015; Hamanaka, 2016). The patients also were found to have hypomethylation of the DUX4 gene on chromosome 4, consistent with digenic inheritance of FSD2. In silico splice site analysis predicts that this alteration will weaken the native splice donor site and may result in the creation or strengthening of a novel splice donor site. Based on the available evidence, this alteration is classified as pathogenic.

Dr. Peter K. Rogan Lab, Western University
No classification provided (evidence only). Condition: Malignant lymphoma, large B-cell, diffuse. Review status: no classification provided. Collection method: in vitro. Allele origin: not applicable. Functional consequence: skipped exon, retained intron. Not counted in ClinVar's aggregate classification.

Literature cited by the submitters: PubMed 25256356 (cited by Labcorp Genetics (formerly Invitae), Labcorp); PubMed 27061275 (cited by Labcorp Genetics (formerly Invitae), Labcorp and Ambry Genetics); PubMed 23143600 (cited by Ambry Genetics); PubMed 25370034 (cited by Ambry Genetics).